The following is an entry in ClinVar:

NM_174936.4(PCSK9):c.996+4G>A

Gene: PCSK9 (proprotein convertase subtilisin/kexin type 9; plus strand). Cytogenetic location: 1p32.3.
Variant type: single nucleotide variant.
Coding change: c.996+4G>A on transcript NM_174936.4 (MANE Select); 4 bases into the intron after coding-DNA position 996, G replaced by A.
Molecular consequence: intron variant.
Genome position (GRCh38, 1-based): chr1:55,056,193, G>A. VCF-style: chr1-55056193-G-A. GRCh37 (hg19) VCF-style: chr1-55521866-G-A.
Other names: c.621+4G>A (NM_001407246.1); c.1119+4G>A (NM_001407240.1); c.999+4G>A (NM_001407242.1); c.996+4G>A (NM_001407241.1, NM_001407244.1, NM_001407247.1); c.939+4G>A (NM_001407243.1); c.804+4G>A (NM_001407245.1).
Identifiers: ClinVar variation 2774049 (VCV002774049.5), dbSNP rs922709776, ClinGen allele CA22762815.
Genomic context (GRCh38, chr1:55,056,193, plus strand): 5'-GCTGCCGGCAACTTCCGGGACGATGCCTGCCTCTACTCCCCAGCCTCAGCTCCCGAGGTA[G>A]GTGCTGGGGCTGCTGCCCCAAGGCGCGGGTAGGGGGCGGAGGGCGGAGGGCGGAGGGAGG-3'

ClinVar aggregate classification (germline): Uncertain significance. Review status: criteria provided, multiple submitters, no conflicts (2 of 4 stars). 2 submissions from 2 submitters: Uncertain significance (2). Last evaluated 2024-01-03.

Conditions:
Hypercholesterolemia, autosomal dominant, 3 (FHCL3). Also called: Familial Hypercholesterolemia, Autosomal Dominant, 3; PCSK9-Related Familial Hypercholesterolemia, Autosomal Dominant; Familial hypercholesterolemia 3. Identifiers: MedGen C1863551, MONDO:0011369, OMIM 603776.
Familial hypercholesterolemia. Also called: Familial hypercholesterolemias; Familial hypercholesterolaemia. Identifiers: MedGen C0020445, MONDO:0005439.

Allele frequency attached by ClinVar (database versions not stated): TOPMed below 0.00001.

Submissions (2):

Labcorp Genetics (formerly Invitae), Labcorp
Classification: Uncertain significance for Hypercholesterolemia, autosomal dominant, 3. Last evaluated: 2024-01-03. Review status: criteria provided, single submitter. Criteria: Invitae Variant Classification Sherloc (09022015). Collection method: clinical testing. Allele origin: germline.
Comment: This sequence change falls in intron 6 of the PCSK9 gene. It does not directly change the encoded amino acid sequence of the PCSK9 protein. It affects a nucleotide within the consensus splice site. This variant is not present in population databases (gnomAD no frequency). This variant has not been reported in the literature in individuals affected with PCSK9-related conditions. Variants that disrupt the consensus splice site are a relatively common cause of aberrant splicing (PMID: 17576681, 9536098). Algorithms developed to predict the effect of sequence changes on RNA splicing suggest that this variant is not likely to affect RNA splicing. In summary, the available evidence is currently insufficient to determine the role of this variant in disease. Therefore, it has been classified as a Variant of Uncertain Significance.

Color Diagnostics, LLC DBA Color Health
Classification: Uncertain significance for Familial hypercholesterolemia. Last evaluated: 2021-11-17. Review status: criteria provided, single submitter. Criteria: ACMG Guidelines, 2015. Collection method: clinical testing. Allele origin: germline.
Comment: This variant causes a G to A nucleotide substitution at the +4 position of intron 6 of the PCSK9 gene. Splice prediction tools and conservation analysis are inconclusive regarding the impact of this variant on RNA splicing. To our knowledge, functional studies have not been reported for this variant. This variant has not been reported in individuals affected with familial hypercholesterolemia in the literature. This variant has not been identified in the general population by the Genome Aggregation Database (gnomAD). The available evidence is insufficient to determine the role of this variant in disease conclusively. Therefore, this variant is classified as a Variant of Uncertain Significance.

Literature cited by the submitters: PubMed 17576681 (cited by Labcorp Genetics (formerly Invitae), Labcorp); PubMed 9536098 (cited by Labcorp Genetics (formerly Invitae), Labcorp).